The following is an entry in ClinVar:

NM_001267550.2(TTN):c.9139T>A (p.Ser3047Thr)

Gene: TTN (titin; minus strand). Cytogenetic location: 2q31.2.
Variant type: single nucleotide variant.
Coding change: c.9139T>A on transcript NM_001267550.2 (MANE Select); coding-DNA position 9139, T replaced by A.
Protein change: p.Ser3047Thr; replaces serine 3047 with threonine.
Molecular consequence: missense variant.
Genome position (GRCh38, 1-based): chr2:178,768,697, A>T on the plus strand (T>A on the coding strand, the complement: TTN is on the minus strand). VCF-style: chr2-178768697-A-T. GRCh37 (hg19) VCF-style: chr2-179633424-A-T.
Other names: c.9139T>A, p.Ser3047Thr (NM_001256850.1, NM_133378.4, NM_133379.5); c.9001T>A, p.Ser3001Thr (NM_003319.4, NM_133432.3, NM_133437.4); short protein forms S3047T, S3001T.
Identifiers: ClinVar variation 513981 (VCV000513981.12), dbSNP rs946142615, ClinGen allele CA61002244.

ClinVar aggregate classification (germline): Likely benign (1 of 4 stars; one submission).

Allele frequency attached by ClinVar (database versions not stated): gnomAD exomes below 0.00001 and 0.00001; TOPMed 0.00001.
gnomAD v4.1: 12 of 1,613,964 alleles (0.00074%); highest among the groups gnomAD compares: Non-Finnish European, 0.001%; no homozygotes.

Submission:

GeneDx
Classification: Likely benign. Last evaluated: 2017-12-04. Review status: criteria provided, single submitter. Criteria: GeneDx Variant Classification (06012015). Collection method: clinical testing. Allele origin: germline. Affected: yes.
Comment: This variant is considered likely benign or benign based on one or more of the following criteria: it is a conservative change, it occurs at a poorly conserved position in the protein, it is predicted to be benign by multiple in silico algorithms, and/or has population frequency not consistent with disease.